The following is an entry in ClinVar:

ClinVar aggregate classification (germline): Uncertain significance (1 of 4 stars; one submission).

Conditions:
Hereditary breast ovarian cancer syndrome. Also called: Hereditary breast and ovarian cancer syndrome; Hereditary breast and ovarian cancer syndrome (HBOC); BRCA1- and BRCA2-Associated Hereditary Breast and Ovarian Cancer; Hereditary breast and ovarian cancer; Breast and ovarian cancer; Hereditary breast and/or ovarian cancer syndrome. Identifiers: Orphanet 145, MedGen C0677776, MeSH D061325, MONDO:0003582. Disease mechanism: loss of function.

Submission:

Labcorp Genetics (formerly Invitae), Labcorp
Classification: Uncertain significance for Hereditary breast ovarian cancer syndrome. Last evaluated: 2024-04-10. Review status: criteria provided, single submitter. Criteria: Invitae Variant Classification Sherloc (09022015). Collection method: clinical testing. Allele origin: germline.
Comment: This sequence change replaces aspartic acid, which is acidic and polar, with glutamic acid, which is acidic and polar, at codon 522 of the BRCA1 protein (p.Asp522Glu). This variant is not present in population databases (gnomAD no frequency). This variant has not been reported in the literature in individuals affected with BRCA1-related conditions. Advanced modeling of protein sequence and biophysical properties (such as structural, functional, and spatial information, amino acid conservation, physicochemical variation, residue mobility, and thermodynamic stability) performed at Invitae indicates that this missense variant is not expected to disrupt BRCA1 protein function with a negative predictive value of 95%. In summary, the available evidence is currently insufficient to determine the role of this variant in disease. Therefore, it has been classified as a Variant of Uncertain Significance.

NM_007294.4(BRCA1):c.1566T>A (p.Asp522Glu)

Gene: BRCA1 (BRCA1 DNA repair associated; minus strand). Cytogenetic location: 17q21.31.
Variant type: single nucleotide variant.
Coding change: c.1566T>A on transcript NM_007294.4 (MANE Select); coding-DNA position 1566, T replaced by A.
Protein change: p.Asp522Glu; replaces aspartic acid 522 with glutamic acid.
Molecular consequence: missense variant. On other transcripts: intron variant (137).
Genome position (GRCh38, 1-based): chr17:43,093,965, A>T on the plus strand (T>A on the coding strand, the complement: BRCA1 is on the minus strand). VCF-style: chr17-43093965-A-T. GRCh37 (hg19) VCF-style: chr17-41245982-A-T.
Other names: c.784+779T>A (NM_001407985.1, NM_001408397.1, NM_001408401.1 and 13 more transcripts); c.548-2933T>A (NM_001408494.1); c.664+779T>A (NM_001408444.1, NM_001408438.1, NM_001408430.1 and 12 more transcripts); c.670+1881T>A (NM_001408423.1, NM_001408420.1, NM_001408419.1 and 2 more transcripts); c.787+779T>A (NM_001408404.1, NM_001408472.1, NM_001407974.1 and 19 more transcripts); c.577+779T>A (NM_001408492.1, NM_001408513.1, NM_001408481.1 and 9 more transcripts); c.643+779T>A (NM_001408468.1, NM_001408470.1, NM_001408464.1 and 3 more transcripts); c.523+779T>A (NM_001408501.1, NM_001408500.1, NM_001408498.1 and 3 more transcripts); and 40 more; short protein forms D226E, D394E, D433E, D451E, D474E, D481E, D495E, D522E.
Identifiers: ClinVar variation 3634689 (VCV003634689.2).